The following is an entry in ClinVar:

NM_000138.5(FBN1):c.3837A>G (p.Val1279=)

Gene: FBN1 (fibrillin 1; minus strand). Cytogenetic location: 15q21.1.
Variant type: single nucleotide variant.
Coding change: c.3837A>G on transcript NM_000138.5 (MANE Select); coding-DNA position 3837, A replaced by G.
Protein change: p.Val1279=; no amino-acid change (valine 1279 retained).
Molecular consequence: synonymous variant.
Genome position (GRCh38, 1-based): chr15:48,483,819, T>C on the plus strand (A>G on the coding strand, the complement: FBN1 is on the minus strand). VCF-style: chr15-48483819-T-C. GRCh37 (hg19) VCF-style: chr15-48776016-T-C.
Identifiers: ClinVar variation 516066 (VCV000516066.15), dbSNP rs59007872, ClinGen allele CA269525957.

ClinVar aggregate classification (germline): Conflicting classifications of pathogenicity. Review status: criteria provided, conflicting classifications (1 of 4 stars). 7 submissions from 7 submitters: Uncertain significance (1); Likely benign (6). Last evaluated 2025-08-29.

Conditions:
MASS syndrome (OCTD). Also called: OVERLAP CONNECTIVE TISSUE DISEASE; MASS PHENOTYPE. Identifiers: MedGen C1858556, MONDO:0011431, OMIM 604308.
Progeroid and marfanoid aspect-lipodystrophy syndrome. Also called: MARFANOID-PROGEROID SYNDROME; MARFAN-PROGEROID-LIPODYSTROPHY SYNDROME; Marfan lipodystrophy syndrome; MARFANOID-PROGEROID-LIPODYSTROPHY SYNDROME. Identifiers: Orphanet 300382, MedGen C4310796, MONDO:0014831, OMIM 616914.
Ectopia lentis 1, isolated, autosomal dominant (ECTOL1). Identifiers: Orphanet 1885, MedGen C3541518, MONDO:0007514, OMIM 129600.
Weill-Marchesani syndrome 2, dominant. Also called: Weill-Marchesani Syndrome, Autosomal Dominant; FBN1-Related Weill-Marchesani Syndrome. Identifiers: Orphanet 2084, MedGen C1869115, MONDO:0012013, OMIM 608328.
Acromicric dysplasia (ACMICD). Also called: Acromicric skeletal dysplasia. Identifiers: Orphanet 969, MedGen C0265287, MONDO:0007055, OMIM 102370.
Geleophysic dysplasia 2 (GPHYSD2). Identifiers: Orphanet 2623, MedGen C3280054, MONDO:0013612, OMIM 614185.
Stiff skin syndrome (SSKS). Identifiers: Orphanet 2833, MedGen C1861456, MONDO:0008492, OMIM 184900.
Marfan syndrome (MFS). Also called: Marfan syndrome type 1; Marfan syndrome, classic; Marfan's syndrome; FBN1-Related Marfan Syndrome; MARFAN SYNDROME, TYPE I. Identifiers: Orphanet 284963, Orphanet 558, MedGen C0024796, MONDO:0007947, OMIM 154700.
Familial thoracic aortic aneurysm and aortic dissection (TAAD). Also called: Thoracic aortic aneurysms and dissections. Identifiers: Orphanet 91387, MedGen C4707243, MONDO:0019625.

Allele frequency attached by ClinVar (database versions not stated): 1000 Genomes Project 30x 0.00031; TOPMed 0.00004; gnomAD exomes 0.00001 and below 0.00001; gnomAD 0.00004 and 0.00005; 1000 Genomes Project 0.00020.
gnomAD v4.1: 18 of 1,613,668 alleles (0.0011%); highest among the groups gnomAD compares: African/African-American, 0.015%; no homozygotes.

Submissions (7):

Labcorp Genetics (formerly Invitae), Labcorp
Classification: Uncertain significance for Marfan syndrome; Familial thoracic aortic aneurysm and aortic dissection. Last evaluated: 2025-08-29. Review status: criteria provided, single submitter. Criteria: Invitae Variant Classification Sherloc (09022015). Collection method: clinical testing. Allele origin: germline.
Comment: This sequence change affects codon 1279 of the FBN1 mRNA. It is a 'silent' change, meaning that it does not change the encoded amino acid sequence of the FBN1 protein. It affects a nucleotide within the consensus splice site. This variant is present in population databases (rs59007872, gnomAD 0.01%). This variant has not been reported in the literature in individuals affected with FBN1-related conditions. ClinVar contains an entry for this variant (Variation ID: 516066). Algorithms developed to predict the effect of sequence changes on RNA splicing suggest that this variant is not likely to affect RNA splicing. In summary, the available evidence is currently insufficient to determine the role of this variant in disease. Therefore, it has been classified as a Variant of Uncertain Significance.

All of Us Research Program, National Institutes of Health
Classification: Likely benign for Marfan syndrome. Last evaluated: 2024-06-09. Review status: criteria provided, single submitter. Criteria: ACMG Guidelines, 2015. Collection method: clinical testing. Allele origin: germline. Inheritance: Autosomal dominant inheritance. Observed: 3 variant alleles, 3 heterozygotes.
Comment: This study involves interpretation of variants in research participants for the purpose of population health screening. Participant phenotype was not available at the time of variant classification. Additional details can be found in publication PMID: 35346344, PMCID: PMC8962531

Ambry Genetics
Classification: Likely benign for Familial thoracic aortic aneurysm and aortic dissection. Last evaluated: 2022-04-29. Review status: criteria provided, single submitter. Criteria: Ambry Variant Classification Scheme 2023. Collection method: clinical testing. Allele origin: germline.

Fulgent Genetics
Classification: Likely benign for Acromicric dysplasia; Ectopia lentis 1, isolated, autosomal dominant; Marfan syndrome; Stiff skin syndrome; MASS syndrome; Weill-Marchesani syndrome 2, dominant; Geleophysic dysplasia 2; Progeroid and marfanoid aspect-lipodystrophy syndrome. Last evaluated: 2021-07-25. Review status: criteria provided, single submitter. Criteria: ACMG Guidelines, 2015. Collection method: clinical testing. Allele origin: unknown.

GeneDx
Classification: Likely benign. Last evaluated: 2019-10-22. Review status: criteria provided, single submitter. Criteria: GeneDx Variant Classification Process June 2021. Collection method: clinical testing. Allele origin: germline. Affected: yes.

Color Diagnostics, LLC DBA Color Health
Classification: Likely benign for Familial thoracic aortic aneurysm and aortic dissection. Last evaluated: 2018-11-08. Review status: criteria provided, single submitter. Criteria: ACMG Guidelines, 2015. Collection method: clinical testing. Allele origin: germline.

Breakthrough Genomics
Classification: Likely benign. Review status: criteria provided, single submitter. Criteria: ACMG Guidelines, 2015. Collection method: not provided. Allele origin: germline. Inheritance: Autosomal dominant inheritance. Affected: yes.